The following is an entry in ClinVar:

ClinVar aggregate classification (germline): Uncertain significance (1 of 4 stars; one submission).

Conditions:
Microcephaly, normal intelligence and immunodeficiency (NBS). Also called: BERLIN BREAKAGE SYNDROME; Immunodeficiency, microcephaly with normal intelligence; Nijmegen breakage syndrome; Microcephaly with normal intelligence immunodeficiency and lymphoreticular malignancies; Nonsyndromal microcephaly autosomal recessive with normal intelligence; Seemanova syndrome 2. Identifiers: Orphanet 647, MedGen C0398791, MONDO:0009623, OMIM 251260.

Submission:

Labcorp Genetics (formerly Invitae), Labcorp
Classification: Uncertain significance for Microcephaly, normal intelligence and immunodeficiency. Last evaluated: 2021-07-11. Review status: criteria provided, single submitter. Criteria: Invitae Variant Classification Sherloc (09022015). Collection method: clinical testing. Allele origin: germline.
Comment: Algorithms developed to predict the effect of missense changes on protein structure and function (SIFT, PolyPhen-2, Align-GVGD) all suggest that this variant is likely to be tolerated, but these predictions have not been confirmed by published functional studies and their clinical significance is uncertain. This variant has not been reported in the literature in individuals with NBN-related conditions. This variant is not present in population databases (ExAC no frequency). This sequence change replaces serine with glycine at codon 207 of the NBN protein (p.Ser207Gly). The serine residue is weakly conserved and there is a small physicochemical difference between serine and glycine. Algorithms developed to predict the effect of sequence changes on RNA splicing suggest that this variant may create or strengthen a splice site, but this prediction has not been confirmed by published transcriptional studies. In summary, the available evidence is currently insufficient to determine the role of this variant in disease. Therefore, it has been classified as a Variant of Uncertain Significance.

NM_002485.5(NBN):c.619A>G (p.Ser207Gly)

Gene: NBN (nibrin; minus strand). Cytogenetic location: 8q21.3.
Variant type: single nucleotide variant.
Coding change: c.619A>G on transcript NM_002485.5 (MANE Select); coding-DNA position 619, A replaced by G.
Protein change: p.Ser207Gly; replaces serine 207 with glycine.
Molecular consequence: missense variant.
Genome position (GRCh38, 1-based): chr8:89,971,256, T>C on the plus strand (A>G on the coding strand, the complement: NBN is on the minus strand). VCF-style: chr8-89971256-T-C. GRCh37 (hg19) VCF-style: chr8-90983484-T-C.
Other names: c.373A>G, p.Ser125Gly (NM_001024688.3); short protein forms S125G, S207G.
Identifiers: ClinVar variation 1466864 (VCV001466864.8), dbSNP rs2129839074, ClinGen allele CA371659256.